The following is an entry in ClinVar:

ClinVar aggregate classification (germline): Benign/Likely benign. Review status: criteria provided, multiple submitters, no conflicts (2 of 4 stars). 8 submissions from 8 submitters: Benign (5); Likely benign (2). 1 of the submissions does not count toward it. Last evaluated 2026-09-01.

Conditions:
Inborn genetic diseases. Identifiers: MedGen C0950123, MeSH D030342.
NLRP1-related disorder. Also called: NLRP1-related condition.

Allele frequency attached by ClinVar (database versions not stated): 1000 Genomes Project 30x 0.00656; 1000 Genomes Project 0.00719; ESP Exome Variant Server 0.00853.
gnomAD v4.1: 19,918 of 1,614,116 alleles (1.2%); highest among the groups gnomAD compares: Non-Finnish European, 1.3%; 153 homozygotes.

Submissions (8):

CeGaT Center for Human Genetics Tuebingen
Classification: Benign. Last evaluated: 2026-09-01. Review status: criteria provided, single submitter. Criteria: CeGaT Center For Human Genetics Tuebingen Variant Classification Criteria Version 2. Collection method: clinical testing. Allele origin: germline. Affected: yes. Observed: 24 variant alleles.
Comment: NLRP1: BP4, BP7, BS1, BS2

Ambry Genetics
Classification: Likely benign for Inborn genetic diseases. Last evaluated: 2026-07-01. Review status: criteria provided, single submitter. Criteria: Ambry Variant Classification Scheme 2023. Collection method: clinical testing. Allele origin: germline.

Labcorp Genetics (formerly Invitae), Labcorp
Classification: Benign. Last evaluated: 2026-02-02. Review status: criteria provided, single submitter. Criteria: Invitae Variant Classification Sherloc (09022015). Collection method: clinical testing. Allele origin: germline.

Women's Health and Genetics/Laboratory Corporation of America, LabCorp
Classification: Benign. Last evaluated: 2026-01-23. Review status: criteria provided, single submitter. Criteria: LabCorp Variant Classification Summary - May 2015. Collection method: clinical testing. Allele origin: germline.

Blueprint Genetics
Classification: Likely benign. Last evaluated: 2024-11-27. Review status: criteria provided, single submitter. Criteria: ACMG Guidelines, 2015. Collection method: clinical testing. Allele origin: germline.

Mayo Clinic Laboratories, Mayo Clinic
Classification: Benign. Last evaluated: 2024-01-03. Review status: criteria provided, single submitter. Criteria: ACMG Guidelines, 2015. Collection method: clinical testing. Allele origin: germline. Observed: 10 variant alleles.
Comment: BS1, BS2, BP4, BP7

Breakthrough Genomics
Classification: Benign. Review status: criteria provided, single submitter. Criteria: ACMG Guidelines, 2015. Collection method: not provided. Allele origin: germline. Inheritance: Autosomal recessive inheritance. Affected: yes.

PreventionGenetics, part of Exact Sciences
Classification: Benign for NLRP1-related condition. Last evaluated: 2020-01-27. Review status: no assertion criteria provided. Collection method: clinical testing. Allele origin: germline. Not counted in ClinVar's aggregate classification.
Comment: This variant is classified as benign based on ACMG/AMP sequence variant interpretation guidelines (Richards et al. 2015 PMID: 25741868, with internal and published modifications).

NM_033004.4(NLRP1):c.3741C>A (p.Thr1247=)

Gene: NLRP1 (NLR family pyrin domain containing 1; minus strand). Cytogenetic location: 17p13.2.
Variant type: single nucleotide variant.
Coding change: c.3741C>A on transcript NM_033004.4 (MANE Select); coding-DNA position 3741, C replaced by A.
Protein change: p.Thr1247=; no amino-acid change (threonine 1247 retained).
Molecular consequence: synonymous variant.
Genome position (GRCh38, 1-based): chr17:5,521,566, G>T on the plus strand (C>A on the coding strand, the complement: NLRP1 is on the minus strand). VCF-style: chr17-5521566-G-T. GRCh37 (hg19) VCF-style: chr17-5424886-G-T.
Other names: p.Thr1247=; c.3741C>A (NM_033004.3); c.3753C>A, p.Thr1251= (NM_001033053.3); c.3741C>A, p.Thr1247= (NM_014922.5); c.3651C>A, p.Thr1217= (NM_033006.4, NM_033007.4).
Identifiers: ClinVar variation 1167606 (VCV001167606.45), dbSNP rs2301583, ClinGen allele CA8326757.